The following is an entry in ClinVar:

ClinVar aggregate classification (germline): Pathogenic (1 of 4 stars; one submission).

Submission:

Labcorp Genetics (formerly Invitae), Labcorp
Classification: Pathogenic. Last evaluated: 2022-09-20. Review status: criteria provided, single submitter. Criteria: Invitae Variant Classification Sherloc (09022015). Collection method: clinical testing. Allele origin: germline.
Comment: This sequence change creates a premature translational stop signal (p.Pro958Thrfs*5) in the COL4A4 gene. It is expected to result in an absent or disrupted protein product. Loss-of-function variants in COL4A4 are known to be pathogenic (PMID: 21196518, 24854265, 25307543). This variant is not present in population databases (gnomAD no frequency). This variant has not been reported in the literature in individuals affected with COL4A4-related conditions. For these reasons, this variant has been classified as Pathogenic.

Literature cited by the submitters: PubMed 21196518; PubMed 24854265; PubMed 25307543.

NM_000092.5(COL4A4):c.2871dup (p.Pro958fs)

Gene: COL4A4 (collagen type IV alpha 4 chain; minus strand). Cytogenetic location: 2q36.3.
Variant type: Duplication.
Coding change: c.2871dup on transcript NM_000092.5 (MANE Select); coding-DNA position 2871, one base duplicated (A; older notation c.2871dupA).
Protein change: p.Pro958fs; shifts the reading frame from proline 958.
Molecular consequence: frameshift variant.
Genome position (GRCh38, 1-based): chr2:227,052,402, T duplicated on the plus strand (A on the coding strand, the reverse complement: COL4A4 is on the minus strand). VCF-style (leftmost placement, unchanged base first): chr2-227052401-G-GT. GRCh37 (hg19) VCF-style: chr2-227917117-G-GT.
Other names: short protein forms P958fs.
Identifiers: ClinVar variation 2031534 (VCV002031534.4), dbSNP rs2474011027, ClinGen allele CA2580065855.